The following is an entry in ClinVar:

NM_001005242.3(PKP2):c.2457G>A (p.Lys819=)

Gene: PKP2 (plakophilin 2; minus strand). Cytogenetic location: 12p11.21.
Variant type: single nucleotide variant.
Coding change: c.2457G>A on transcript NM_001005242.3 (MANE Select); coding-DNA position 2457, G replaced by A.
Protein change: p.Lys819=; no amino-acid change (lysine 819 retained).
Molecular consequence: synonymous variant.
Genome position (GRCh38, 1-based): chr12:32,792,481, C>T on the plus strand (G>A on the coding strand, the complement: PKP2 is on the minus strand). VCF-style: chr12-32792481-C-T. GRCh37 (hg19) VCF-style: chr12-32945415-C-T.
Other names: c.2589G>A, p.Lys863= (NM_004572.4).
Identifiers: ClinVar variation 533047 (VCV000533047.16), dbSNP rs777477467, ClinGen allele CA036195.

ClinVar aggregate classification (germline): Conflicting classifications of pathogenicity. Review status: criteria provided, conflicting classifications (1 of 4 stars). 5 submissions from 5 submitters: Uncertain significance (1); Likely benign (4). Last evaluated 2025-10-23.

Conditions:
Cardiovascular phenotype. Identifiers: MedGen CN230736.
Cardiomyopathy (CMYO). Also called: Cardiomyopathies. Identifiers: Orphanet 167848, MedGen C0878544, MONDO:0004994, HP:0001638. Inheritance: Various modes of inheritance.
Arrhythmogenic right ventricular dysplasia 9 (ARVD9). Also called: Arrhythmogenic Right Ventricular Dysplasia/Cardiomyopathy 9; ARRHYTHMOGENIC RIGHT VENTRICULAR DYSPLASIA, FAMILIAL, 9. Identifiers: MedGen C1836906, MONDO:0012180, OMIM 609040.

Allele frequency attached by ClinVar (database versions not stated): gnomAD exomes below 0.00001; ExAC 0.00001; gnomAD 0.00001; TOPMed 0.00002.

Submissions (5):

Labcorp Genetics (formerly Invitae), Labcorp
Classification: Likely benign for Arrhythmogenic right ventricular dysplasia 9. Last evaluated: 2025-10-23. Review status: criteria provided, single submitter. Criteria: Invitae Variant Classification Sherloc (09022015). Collection method: clinical testing. Allele origin: germline.

Women's Health and Genetics/Laboratory Corporation of America, LabCorp
Classification: Likely benign. Last evaluated: 2024-11-29. Review status: criteria provided, single submitter. Criteria: LabCorp Variant Classification Summary - May 2015. Collection method: clinical testing. Allele origin: germline.

GeneDx
Classification: Uncertain significance. Last evaluated: 2022-11-07. Review status: criteria provided, single submitter. Criteria: GeneDx Variant Classification Process June 2021. Collection method: clinical testing. Allele origin: germline. Affected: yes.
Comment: Not observed at significant frequency in large population cohorts (gnomAD); In silico analysis supports that this variant does not alter splicing; Has not been previously published as pathogenic or benign to our knowledge

Color Diagnostics, LLC DBA Color Health
Classification: Likely benign for Cardiomyopathy. Last evaluated: 2018-10-08. Review status: criteria provided, single submitter. Criteria: ACMG Guidelines, 2015. Collection method: clinical testing. Allele origin: germline.

Ambry Genetics
Classification: Likely benign for Cardiovascular phenotype. Last evaluated: 2018-05-31. Review status: criteria provided, single submitter. Criteria: Ambry Variant Classification Scheme 2023. Collection method: clinical testing. Allele origin: germline.